The following is an entry in ClinVar:

ClinVar aggregate classification (germline): Likely pathogenic (1 of 4 stars; one submission).

Conditions:
Nystagmus 1, congenital, X-linked. Also called: FRMD7-Related Infantile Nystagmus; NYSTAGMUS 1, INFANTILE, X-LINKED; NYSTAGMUS, CONGENITAL MOTOR, 1; NYSTAGMUS, INFANTILE IDIOPATHIC; NYSTAGMUS, INFANTILE PERIODIC ALTERNATING, X-LINKED. Identifiers: MedGen C1839580, MONDO:0010693, OMIM 310700.

Submission:

Department of Genetics, HCU Lozano Blesa
Classification: Likely pathogenic for Nystagmus 1, congenital, X-linked. Last evaluated: 2025-08-05. Review status: criteria provided, single submitter. Criteria: ACMG Guidelines 2015. Collection method: clinical testing. Allele origin: germline. Inheritance: X-linked inheritance. Affected: yes. Observed: 1 variant allele, 1 hemizygote.
Comment: The c.754T>G (p Phe252Val.) variant in the FRMD7 gene (NM_001306193.1) should be classified as a likely pathogenic variant based on the following criteria (ACMG): - The variant is not reported in population databases (GnomAD) (criterion PM2). - This variant is located in a region where up to 7 missense variants have been reported as pathogenic (criterion PM1). - In silico algorithms, which study the effect of the variant on protein structure and function (Revel, MetaLR, Varity, etc.), predict a deleterious behavior of the variant (criterion PP3). - The patient's phenotype is highly specific for a disease with a specific genetic entity (criterion PP4).

NM_194277.3(FRMD7):c.799T>G (p.Phe267Val)

Gene: FRMD7 (FERM domain containing 7; minus strand). Cytogenetic location: Xq26.2.
Variant type: single nucleotide variant.
Coding change: c.799T>G on transcript NM_194277.3 (MANE Select); coding-DNA position 799, T replaced by G.
Protein change: p.Phe267Val; replaces phenylalanine 267 with valine.
Molecular consequence: missense variant.
Genome position (GRCh38, 1-based): chrX:132,082,469, A>C on the plus strand (T>G on the coding strand, the complement: FRMD7 is on the minus strand). VCF-style: chrX-132082469-A-C. GRCh37 (hg19) VCF-style: chrX-131216497-A-C.
Other names: c.754T>G, p.Phe252Val (NM_001306193.2); short protein forms F252V, F267V.
Identifiers: ClinVar variation 4087725 (VCV004087725.1).